The following is an entry in ClinVar:

NM_000035.4(ALDOB):c.33G>T (p.Glu11Asp)

Gene: ALDOB (aldolase, fructose-bisphosphate B; minus strand). Cytogenetic location: 9q31.1.
Variant type: single nucleotide variant.
Coding change: c.33G>T on transcript NM_000035.4 (MANE Select); coding-DNA position 33, G replaced by T.
Protein change: p.Glu11Asp; replaces glutamic acid 11 with aspartic acid.
Molecular consequence: missense variant.
Genome position (GRCh38, 1-based): chr9:101,430,855, C>A on the plus strand (G>T on the coding strand, the complement: ALDOB is on the minus strand). VCF-style: chr9-101430855-C-A. GRCh37 (hg19) VCF-style: chr9-104193137-C-A.
Other names: short protein forms E11D.
Identifiers: ClinVar variation 3349526 (VCV003349526.1).

ClinVar aggregate classification (germline): Uncertain significance (0 of 4 stars; one submission).

Conditions:
ALDOB-related disorder. Also called: ALDOB-related condition.

Submission:

PreventionGenetics, part of Exact Sciences
Classification: Uncertain significance for ALDOB-related condition. Last evaluated: 2024-08-19. Review status: no assertion criteria provided. Collection method: clinical testing. Allele origin: germline.
Comment: The ALDOB c.33G>T variant is predicted to result in the amino acid substitution p.Glu11Asp. To our knowledge, this variant has not been reported in the literature. This variant is reported in 0.020% of alleles in individuals of South Asian descent in gnomAD. At this time, the clinical significance of this variant is uncertain due to the absence of conclusive functional and genetic evidence.